The following is an entry in ClinVar:

ClinVar aggregate classification (germline): Conflicting classifications of pathogenicity. Review status: criteria provided, conflicting classifications (1 of 4 stars). 6 submissions from 6 submitters: Pathogenic (1); Likely pathogenic (3); Uncertain significance (1). 1 of the submissions does not count toward it. Last evaluated 2024-06-19.

Conditions:
PEX26-related disorder. Also called: PEX26-related condition.
Peroxisome biogenesis disorder 7A (Zellweger). Also called: Peroxisome biogenesis disorder 7A. Identifiers: Orphanet 912, MedGen C3888385, MONDO:0013938, OMIM 614872.
Peroxisome biogenesis disorder 7B (PBD7B). Identifiers: Orphanet 44, MedGen C3553951, MONDO:0013939, OMIM 614873.
Peroxisome biogenesis disorder. Identifiers: Orphanet 79189, MedGen C1832200, MONDO:0019234. Disease mechanism: loss of function.

Allele frequency attached by ClinVar (database versions not stated): gnomAD exomes 0.00001.
gnomAD v4.1: 11 of 1,571,928 alleles (0.0007%); highest among the groups gnomAD compares: Non-Finnish European, 0.00095%; no homozygotes.

Submissions (6):

Fulgent Genetics
Classification: Likely pathogenic for Peroxisome biogenesis disorder 7A (Zellweger); Peroxisome biogenesis disorder 7B. Last evaluated: 2024-06-19. Review status: criteria provided, single submitter. Criteria: ACMG Guidelines, 2015. Collection method: clinical testing. Allele origin: germline.

Women's Health and Genetics/Laboratory Corporation of America, LabCorp
Classification: Likely pathogenic for Peroxisome biogenesis disorder. Last evaluated: 2024-06-18. Review status: criteria provided, single submitter. Criteria: LabCorp Variant Classification Summary - May 2015. Collection method: clinical testing. Allele origin: germline.
Comment: Variant summary: PEX26 c.134T>C (p.Leu45Pro) results in a non-conservative amino acid change in the encoded protein sequence. Five of five in-silico tools predict a damaging effect of the variant on protein function. The variant allele was found at a frequency of 7e-06 in 1571928 control chromosomes. This frequency is not significantly higher than estimated for a pathogenic variant in PEX26 causing Zellweger Syndrome (7e-06 vs 0.0016), allowing no conclusion about variant significance. c.134T>C has been reported in the literature in the presumed compound heterozygous state in at least 1 individual affected with infantile Refsum disease (example, Matsumoto_2003, Weller_2005). Multiple functional studies using in vitro cell lines or a PEX26-null patient fibroblast background found that this variant reduced import activity, reduced binding to partner proteins, and cannot complement PEX26-null cells; however, protein levels and localization are not significantly different from wild type controls (example, Furuki_2006, Matsumoto_2003, Tamura_2014, Weller_2005). The following publications have been ascertained in the context of this evaluation (PMID: 16257970, 12851857, 25016021, 15858711). ClinVar contains an entry for this variant (Variation ID: 2157). Based on the evidence outlined above, the variant was classified as likely pathogenic.

Baylor Genetics
Classification: Likely pathogenic for Peroxisome biogenesis disorder 7A (Zellweger). Last evaluated: 2023-10-30. Review status: criteria provided, single submitter. Criteria: ACMG Guidelines, 2015. Collection method: clinical testing. Allele origin: unknown.

Blueprint Genetics
Classification: Pathogenic for PEX26-related disorders. Last evaluated: 2022-12-12. Review status: criteria provided, single submitter. Criteria: ACMG Guidelines, 2015. Collection method: clinical testing. Allele origin: germline. Affected: yes. Observed: 5 variant alleles.

Labcorp Genetics (formerly Invitae), Labcorp
Classification: Uncertain significance for Peroxisome biogenesis disorder 7A (Zellweger); Peroxisome biogenesis disorder 7B. Last evaluated: 2022-02-23. Review status: criteria provided, single submitter. Criteria: Invitae Variant Classification Sherloc (09022015). Collection method: clinical testing. Allele origin: germline.
Comment: This sequence change replaces leucine, which is neutral and non-polar, with proline, which is neutral and non-polar, at codon 45 of the PEX26 protein (p.Leu45Pro). This variant is not present in population databases (gnomAD no frequency). This missense change has been observed in individual(s) with infantile Refsum disease (PMID: 12851857). ClinVar contains an entry for this variant (Variation ID: 2157). Algorithms developed to predict the effect of missense changes on protein structure and function (SIFT, PolyPhen-2, Align-GVGD) all suggest that this variant is likely to be disruptive. Experimental studies have shown that this missense change affects PEX26 function (PMID: 12851857, 16257970, 25016021). In summary, the available evidence is currently insufficient to determine the role of this variant in disease. Therefore, it has been classified as a Variant of Uncertain Significance.

OMIM
Classification: Pathogenic for PEROXISOME BIOGENESIS DISORDER 7B. Last evaluated: 2003-08-01. Review status: no assertion criteria provided. Collection method: literature only. Allele origin: germline. Not counted in ClinVar's aggregate classification.

Literature cited by the submitters: PubMed 16257970 (cited by Women's Health and Genetics/Laboratory Corporation of America, LabCorp and Labcorp Genetics (formerly Invitae), Labcorp); PubMed 12851857 (cited by 3 submitters); PubMed 15858711 (cited by Women's Health and Genetics/Laboratory Corporation of America, LabCorp); PubMed 25016021 (cited by Women's Health and Genetics/Laboratory Corporation of America, LabCorp and Labcorp Genetics (formerly Invitae), Labcorp).

NM_001127649.3(PEX26):c.134T>C (p.Leu45Pro)

Gene: PEX26 (peroxisomal biogenesis factor 26; plus strand). Cytogenetic location: 22q11.21.
Variant type: single nucleotide variant.
Coding change: c.134T>C on transcript NM_001127649.3 (MANE Select); coding-DNA position 134, T replaced by C.
Protein change: p.Leu45Pro; replaces leucine 45 with proline.
Molecular consequence: missense variant.
Genome position (GRCh38, 1-based): chr22:18,078,510, T>C. VCF-style: chr22-18078510-T-C. GRCh37 (hg19) VCF-style: chr22-18561276-T-C.
Other names: c.134T>C, p.Leu45Pro (NM_001199319.2, NM_017929.6); short protein forms L45P.
Identifiers: ClinVar variation 2157 (VCV000002157.15), dbSNP rs61752132, ClinGen allele CA115374.